The following is an entry in ClinVar:

ClinVar aggregate classification (germline): Likely pathogenic. Review status: reviewed by expert panel (3 of 4 stars). 4 submissions from 4 submitters: Likely pathogenic (1). 3 of the submissions do not count toward it. Last evaluated 2025-09-16.

Conditions:
Glycogen storage disease, type II (IOPD). Also called: POMPE DISEASE, INFANTILE-ONSET; GLYCOGEN STORAGE DISEASE II, INFANTILE-ONSET; ACID ALPHA-GLUCOSIDASE DEFICIENCY, INFANTILE-ONSET; GAA DEFICIENCY, INFANTILE-ONSET; ACID MALTASE DEFICIENCY, INFANTILE-ONSET; Glucosidase acid-1,4-alpha deficiency. Identifiers: Orphanet 365, MedGen C0017921, MONDO:0009290, OMIM 232300.

Submissions (4):

ClinGen Lysosomal Storage Disorder Variant Curation Expert Panel
Classification: Likely pathogenic for Glycogen storage disease, type II. Last evaluated: 2025-09-16. Review status: reviewed by expert panel. Criteria: clingen_lsd_acmg_specifications_v2-1. Collection method: curation. Allele origin: germline. Inheritance: Autosomal recessive inheritance.
Comment: The NM_000152.5:c.1000G>A variant in GAA is a missense variant predicted to cause substitution of glycine by serine at amino acid 334 (p.Gly334Ser). Two individuals with LOPD and this variant have been reported in the literature (PMID: 21687968, 33741225) with one individual having deficient GAA enzyme activity in leukocytes (PMID: 33741225) (PP4_moderate). Both individuals were compound heterozygous for the variant and a second pathogenic or likely pathogenic GAA variant, phase not reported (PM3_Supporting). This variant is absent in gnomAD v4.1.0. (PM2_Supporting). The computational predictor REVEL gives a score of 0.855 which is above the threshold of 0.7, evidence that correlates with impact to GAA function (PP3). Another missense variant [c.1000G>T, p.Gly334Ser] [ClinVar Variation ID: 843318] in the same codon has been classified as likely pathogenic for Pompe disease by the ClinGen Lysosomal Diseases VCEP (PM5_Supporting). There is a ClinVar entry for this variant (Variation ID:843318). In summary, this variant meets the criteria to be classified as likely pathogenic for Pompe disease based on the ACMG/AMP criteria applied, as specified by the ClinGen Lysosomal Diseases Variant Curation Expert Panel (Specifications Version 2.0): PP4_moderate, PM3_supporting, PM2_supporting, PP3, PM5_supporting. (Classification approved by the ClinGen Lysosomal Diseases Variant Curation Expert Panel, Sept. 16, 2025)

Genomenon, Inc
Classification: Likely pathogenic for Glycogen storage disease, type II. Last evaluated: 2026-07-01. Review status: criteria provided, single submitter. Criteria: Genomenon Sequence Variant Interpretation Standards - Updated. Collection method: curation. Allele origin: germline. Affected: yes. Not counted in ClinVar's aggregate classification.
Comment: GAA p.Gly334Ser (c.1000G>A) is a missense variant that changes the amino acid at codon 334 from Glycine to Serine. This variant has been observed in at least one proband with a GAA-related disorder in the compound heterozygous and/or homozygous state (PMID:34822769;33741225;25085675;21687968). It is absent or not present at a significant frequency in gnomAD. In silico models predict that this variant is possibly or probably damaging. In conclusion, we classify GAA p.Gly334Ser (c.1000G>A) as a likely pathogenic variant.

Baylor Genetics
Classification: Pathogenic for Glycogen storage disease, type II. Last evaluated: 2023-07-08. Review status: criteria provided, single submitter. Criteria: ACMG Guidelines, 2015. Collection method: clinical testing. Allele origin: unknown. Not counted in ClinVar's aggregate classification.

Labcorp Genetics (formerly Invitae), Labcorp
Classification: Uncertain significance for Glycogen storage disease, type II. Last evaluated: 2019-05-03. Review status: criteria provided, single submitter. Criteria: Invitae Variant Classification Sherloc (09022015). Collection method: clinical testing. Allele origin: germline. Not counted in ClinVar's aggregate classification.
Comment: In summary, the available evidence is currently insufficient to determine the role of this variant in disease. Therefore, it has been classified as a Variant of Uncertain Significance. Algorithms developed to predict the effect of missense changes on protein structure and function are either unavailable or do not agree on the potential impact of this missense change (SIFT: "Tolerated"; PolyPhen-2: "Probably Damaging"; Align-GVGD: "Class C0"). This variant has been observed in an individual affected with Pompe disease (PMID: 21687968). This variant is not present in population databases (ExAC no frequency). This sequence change replaces glycine with serine at codon 334 of the GAA protein (p.Gly334Ser). The glycine residue is highly conserved and there is a small physicochemical difference between glycine and serine.

Literature cited by the submitters: PubMed 34822769 (cited by Genomenon, Inc); PubMed 33741225 (cited by Genomenon, Inc); PubMed 25085675 (cited by Genomenon, Inc); PubMed 21687968 (cited by Genomenon, Inc and Labcorp Genetics (formerly Invitae), Labcorp).

NM_000152.5(GAA):c.1000G>A (p.Gly334Ser)

Gene: GAA (alpha glucosidase; plus strand). Cytogenetic location: 17q25.3.
Variant type: single nucleotide variant.
Coding change: c.1000G>A on transcript NM_000152.5 (MANE Select); coding-DNA position 1000, G replaced by A.
Protein change: p.Gly334Ser; replaces glycine 334 with serine.
Molecular consequence: missense variant.
Genome position (GRCh38, 1-based): chr17:80,108,334, G>A. VCF-style: chr17-80108334-G-A. GRCh37 (hg19) VCF-style: chr17-78082133-G-A.
Other names: NM_000152.5(GAA):c.1000G>A; p.Gly334Ser; c.1000G>A, p.Gly334Ser (NM_001079803.3, NM_001079804.3); short protein forms G334S.
Identifiers: ClinVar variation 843318 (VCV000843318.12), dbSNP rs886042960, ClinGen allele CA401364531.